The following is an entry in ClinVar:

NM_014363.6(SACS):c.6502G>T (p.Val2168Leu)

Gene: SACS (sacsin molecular chaperone; minus strand). Cytogenetic location: 13q12.12.
Variant type: single nucleotide variant.
Coding change: c.6502G>T on transcript NM_014363.6 (MANE Select); coding-DNA position 6502, G replaced by T.
Protein change: p.Val2168Leu; replaces valine 2168 with leucine.
Molecular consequence: missense variant.
Genome position (GRCh38, 1-based): chr13:23,337,374, C>A on the plus strand (G>T on the coding strand, the complement: SACS is on the minus strand). VCF-style: chr13-23337374-C-A. GRCh37 (hg19) VCF-style: chr13-23911513-C-A.
Other names: c.6061G>T, p.Val2021Leu (NM_001278055.2); short protein forms V2021L, V2168L.
Identifiers: ClinVar variation 2663505 (VCV002663505.1), dbSNP rs2137609191, ClinGen allele CA387521617.
Genomic context (GRCh38, chr13:23,337,374, plus strand): 5'-AGATACTACTTCTTAGGCATGCAGCAACATGATCACTTTTATTAATTTCAGCTACTGACA[C>A]TGCACGTTCTAGCATATCATCCCATAAAATATCATCTTTTGCCATACCTAACTGAACTAG-3'
Protein context (NP_055178.3, residues 2158-2178): ILWDDMLERA[Val2168Leu]SVAEINKSDH

ClinVar aggregate classification (germline): Uncertain significance (1 of 4 stars; one submission).

gnomAD v4.1: 2 of 1,613,922 alleles (0.00012%); highest among the groups gnomAD compares: African/African-American, 0.0013%; no homozygotes.

Submission:

GeneDx
Classification: Uncertain significance. Last evaluated: 2023-04-19. Review status: criteria provided, single submitter. Criteria: GeneDx Variant Classification Process June 2021. Collection method: clinical testing. Allele origin: germline. Affected: yes.
Comment: Not observed at significant frequency in large population cohorts (gnomAD); In silico analysis supports that this missense variant does not alter protein structure/function; Has not been previously published as pathogenic or benign to our knowledge